The following is an entry in ClinVar:

NM_004304.5(ALK):c.2339A>G (p.Glu780Gly)

Gene: ALK (ALK receptor tyrosine kinase; minus strand). Cytogenetic location: 2p23.2.
Variant type: single nucleotide variant.
Coding change: c.2339A>G on transcript NM_004304.5 (MANE Select); coding-DNA position 2339, A replaced by G.
Protein change: p.Glu780Gly; replaces glutamic acid 780 with glycine.
Molecular consequence: missense variant.
Genome position (GRCh38, 1-based): chr2:29,239,696, T>C on the plus strand (A>G on the coding strand, the complement: ALK is on the minus strand). VCF-style: chr2-29239696-T-C. GRCh37 (hg19) VCF-style: chr2-29462562-T-C.
Other names: c.2339A>G (NM_004304.4); short protein forms E780G.
Identifiers: ClinVar variation 2081932 (VCV002081932.5), dbSNP rs1664472213, ClinGen allele CA346474233.
Genomic context (GRCh38, chr2:29,239,696, plus strand): 5'-GCCTGACAGAGTGCAGACGAGAAACCCCTGCTCTGGGCACTTACACTGGGGCAGGCGTCC[T>C]CTCCCTGCTGCCCAACCAGGATGTACAGCATGTCATCCTTCTCCAGGTTGAAGATGCCCA-3'
Protein context (NP_004295.2, residues 770-790): MLYILVGQQG[Glu780Gly]DACPSTNQLI

ClinVar aggregate classification (germline): Uncertain significance. Review status: criteria provided, multiple submitters, no conflicts (2 of 4 stars). 2 submissions from 2 submitters: Uncertain significance (2). Last evaluated 2025-08-10.

Conditions:
Hereditary cancer-predisposing syndrome. Also called: Hereditary Cancer Syndrome; Hereditary neoplastic syndrome; Neoplastic Syndromes, Hereditary; Tumor predisposition. Identifiers: Orphanet 140162, MedGen C0027672, MeSH D009386, MONDO:0015356.
Neuroblastoma, susceptibility to, 3. Also called: ALK-Related Neuroblastic Tumor Susceptibility. Identifiers: Orphanet 635, MedGen C2751681, MONDO:0013083, OMIM 613014.

Submissions (2):

Ambry Genetics
Classification: Uncertain significance for Hereditary cancer-predisposing syndrome. Last evaluated: 2025-08-10. Review status: criteria provided, single submitter. Criteria: Ambry Variant Classification Scheme 2023. Collection method: clinical testing. Allele origin: germline.
Comment: The p.E780G variant (also known as c.2339A>G), located in coding exon 13 of the ALK gene, results from an A to G substitution at nucleotide position 2339. The glutamic acid at codon 780 is replaced by glycine, an amino acid with similar properties. This amino acid position is conserved. In addition, this alteration is predicted to be tolerated by in silico analysis. Based on the available evidence, the clinical significance of this variant remains unclear.

Labcorp Genetics (formerly Invitae), Labcorp
Classification: Uncertain significance for Neuroblastoma, susceptibility to, 3. Last evaluated: 2022-09-21. Review status: criteria provided, single submitter. Criteria: Invitae Variant Classification Sherloc (09022015). Collection method: clinical testing. Allele origin: germline.
Comment: In summary, the available evidence is currently insufficient to determine the role of this variant in disease. Therefore, it has been classified as a Variant of Uncertain Significance. Algorithms developed to predict the effect of missense changes on protein structure and function are either unavailable or do not agree on the potential impact of this missense change (SIFT: "Deleterious"; PolyPhen-2: "Benign"; Align-GVGD: "Class C65"). This variant has not been reported in the literature in individuals affected with ALK-related conditions. This variant is not present in population databases (gnomAD no frequency). This sequence change replaces glutamic acid, which is acidic and polar, with glycine, which is neutral and non-polar, at codon 780 of the ALK protein (p.Glu780Gly).